The following is an entry in ClinVar:

NM_015274.3(MAN2B2):c.212G>A (p.Arg71Gln)

Gene: MAN2B2 (mannosidase alpha class 2B member 2; plus strand). Cytogenetic location: 4p16.1.
Variant type: single nucleotide variant.
Coding change: c.212G>A on transcript NM_015274.3 (MANE Select); coding-DNA position 212, G replaced by A.
Protein change: p.Arg71Gln; replaces arginine 71 with glutamine.
Molecular consequence: missense variant.
Genome position (GRCh38, 1-based): chr4:6,576,651, G>A. VCF-style: chr4-6576651-G-A. GRCh37 (hg19) VCF-style: chr4-6578378-G-A.
Other names: c.212G>A, p.Arg71Gln (NM_001292038.2); short protein forms R71Q.
Identifiers: ClinVar variation 4847911 (VCV004847911.1).

ClinVar aggregate classification (germline): Likely benign (1 of 4 stars; one submission).

gnomAD v4.1: 354 of 1,613,998 alleles (0.022%); highest among the groups gnomAD compares: East Asian, 0.46%; no homozygotes.

Submission:

Women's Health and Genetics/Laboratory Corporation of America, LabCorp
Classification: Likely benign. Last evaluated: 2026-02-11. Review status: criteria provided, single submitter. Criteria: LabCorp Variant Classification Summary - May 2015. Collection method: clinical testing. Allele origin: germline.
Comment: Variant summary: MAN2B2 c.212G>A (p.Arg71Gln) results in a conservative amino acid change in the encoded protein sequence. Algorithms developed to predict the effect of missense changes on protein structure and function all suggest that this variant is likely to be tolerated. The variant allele was found at a frequency of 0.0007 in 251222 control chromosomes, predominantly at a frequency of 0.0085 within the East Asian subpopulation in the gnomAD database. The observed variant frequency within East Asian control individuals in the gnomAD database exceeds the estimated maximal expected allele frequency for disease-causing variants in MAN2B2. c.212G>A has been observed in an individual affected with systemic lupus erythematosus (Gong_2025). This report does not provide unequivocal conclusions about association of the variant with MAN2B2 deficiency. At least one publication reports experimental evidence evaluating an impact on protein function. The most pronounced variant effect resulted in approximately 30% of wild type activity (Gong_2025), however the clinical significance of this finding is currently unclear. No submitters have cited clinical-significance assessments for this variant to ClinVar. Based on the evidence outlined above, the variant was classified as likely benign.

Literature cited by the submitters: PubMed 40812664.